The following is an entry in ClinVar:

ClinVar aggregate classification (germline): Benign/Likely benign. Review status: criteria provided, multiple submitters, no conflicts (2 of 4 stars). 2 submissions from 2 submitters: Benign (1); Likely benign (1). Last evaluated 2026-07-01.

Allele frequency attached by ClinVar (database versions not stated): ESP Exome Variant Server 0.00008; TOPMed 0.00029; 1000 Genomes Project 0.00080; 1000 Genomes Project 30x 0.00094.
gnomAD v4.1: 183 of 1,612,846 alleles (0.011%); highest among the groups gnomAD compares: East Asian, 0.26%; no homozygotes.

Submissions (2):

CeGaT Center for Human Genetics Tuebingen
Classification: Likely benign. Last evaluated: 2026-07-01. Review status: criteria provided, single submitter. Criteria: CeGaT Center For Human Genetics Tuebingen Variant Classification Criteria Version 2. Collection method: clinical testing. Allele origin: germline. Affected: yes. Observed: 1 variant allele.
Comment: SOX5: BP4, BP7, BS1

Labcorp Genetics (formerly Invitae), Labcorp
Classification: Benign. Last evaluated: 2018-08-22. Review status: criteria provided, single submitter. Criteria: Invitae Variant Classification Sherloc (09022015). Collection method: clinical testing. Allele origin: germline.

NM_006940.6(SOX5):c.477G>A (p.Pro159=)

Gene: SOX5 (SRY-box transcription factor 5; minus strand). Cytogenetic location: 12p12.1.
Variant type: single nucleotide variant.
Coding change: c.477G>A on transcript NM_006940.6 (MANE Select); coding-DNA position 477, G replaced by A.
Protein change: p.Pro159=; no amino-acid change (proline 159 retained).
Molecular consequence: synonymous variant.
Genome position (GRCh38, 1-based): chr12:23,845,987, C>T on the plus strand (G>A on the coding strand, the complement: SOX5 is on the minus strand). VCF-style: chr12-23845987-C-T. GRCh37 (hg19) VCF-style: chr12-23998921-C-T.
Other names: c.438G>A, p.Pro146= (NM_001261414.3, NM_152989.5); c.447G>A, p.Pro149= (NM_001261415.3); c.372G>A, p.Pro124= (NM_001330785.2).
Identifiers: ClinVar variation 747203 (VCV000747203.4), dbSNP rs202009064, ClinGen allele CA6484374.